The following is an entry in ClinVar:

ClinVar aggregate classification (germline): Uncertain significance. Review status: criteria provided, multiple submitters, no conflicts (2 of 4 stars). 2 submissions from 2 submitters: Uncertain significance (2). Last evaluated 2023-11-20.

Conditions:
Tuberous sclerosis syndrome (TSC). Also called: Tuberous Sclerosis Complex; Tuberous sclerosis. Identifiers: Orphanet 805, MedGen C0041341, MONDO:0001734.
Hereditary cancer-predisposing syndrome. Also called: Neoplastic Syndromes, Hereditary; Tumor predisposition; Hereditary Cancer Syndrome; Hereditary neoplastic syndrome. Identifiers: Orphanet 140162, MedGen C0027672, MeSH D009386, MONDO:0015356.

Allele frequency attached by ClinVar (database versions not stated): ExAC 0.00002.

Submissions (2):

All of Us Research Program, National Institutes of Health
Classification: Uncertain significance for Tuberous sclerosis syndrome. Last evaluated: 2023-11-20. Review status: criteria provided, single submitter. Criteria: ACMG Guidelines, 2015. Collection method: clinical testing. Allele origin: germline. Inheritance: Autosomal dominant inheritance. Observed: 1 variant allele, 1 heterozygote.
Comment: This missense variant replaces serine with tyrosine at codon 1388 of the TSC2 protein. Computational prediction is inconclusive regarding the impact of this variant on protein structure and function (internally defined REVEL score threshold 0.5 < inconclusive < 0.7, PMID: 27666373). To our knowledge, functional studies have not been reported for this variant. This variant has not been reported in individuals affected with TSC2-related disorders in the literature. This variant has been identified in 2/248048 chromosomes in the general population by the Genome Aggregation Database (gnomAD). The available evidence is insufficient to determine the role of this variant in disease conclusively. Therefore, this variant is classified as a Variant of Uncertain Significance.

This study involves interpretation of variants in research participants for the purpose of population health screening. Participant phenotype was not available at the time of variant classification. Additional details can be found in publication PMID: 35346344, PMCID: PMC8962531

Ambry Genetics
Classification: Uncertain significance for Hereditary cancer-predisposing syndrome. Last evaluated: 2022-10-12. Review status: criteria provided, single submitter. Criteria: Ambry Variant Classification Scheme 2023. Collection method: clinical testing. Allele origin: germline.
Comment: The p.S1388Y variant (also known as c.4163C>A), located in coding exon 33 of the TSC2 gene, results from a C to A substitution at nucleotide position 4163. The serine at codon 1388 is replaced by tyrosine, an amino acid with dissimilar properties. This amino acid position is conserved. In addition, this alteration is predicted to be deleterious by in silico analysis. Since supporting evidence is limited at this time, the clinical significance of this alteration remains unclear.

NM_000548.5(TSC2):c.4163C>A (p.Ser1388Tyr)

Gene: TSC2 (TSC complex subunit 2; plus strand). Cytogenetic location: 16p13.3.
Variant type: single nucleotide variant.
Coding change: c.4163C>A on transcript NM_000548.5 (MANE Select); coding-DNA position 4163, C replaced by A.
Protein change: p.Ser1388Tyr; replaces serine 1388 with tyrosine.
Molecular consequence: missense variant.
Genome position (GRCh38, 1-based): chr16:2,084,385, C>A. VCF-style: chr16-2084385-C-A. GRCh37 (hg19) VCF-style: chr16-2134386-C-A.
Other names: c.3962C>A, p.Ser1321Tyr (NM_001077183.3); c.4094C>A, p.Ser1365Tyr (NM_001114382.3); c.3854C>A, p.Ser1285Tyr (NM_001318827.2); c.3818C>A, p.Ser1273Tyr (NM_001318829.2); c.3431C>A, p.Ser1144Tyr (NM_001318831.2); c.3995C>A, p.Ser1332Tyr (NM_001318832.2); c.3965C>A, p.Ser1322Tyr (NM_001363528.2); c.4031C>A, p.Ser1344Tyr (NM_001370404.1); and 26 more; short protein forms S1188Y, S1273Y, S1316Y, S1344Y, S1352Y, S873Y, S1122Y, S1164Y.
Identifiers: ClinVar variation 1738357 (VCV001738357.3), dbSNP rs764039393, ClinGen allele CA050562.